The following is an entry in ClinVar:

ClinVar aggregate classification (germline): Uncertain significance (1 of 4 stars; one submission).

Conditions:
Cardiomyopathy (CMYO). Also called: Cardiomyopathies. Identifiers: Orphanet 167848, MedGen C0878544, MONDO:0004994, HP:0001638. Inheritance: Various modes of inheritance.

Submission:

Color Diagnostics, LLC DBA Color Health
Classification: Uncertain significance for Cardiomyopathy. Last evaluated: 2023-03-28. Review status: criteria provided, single submitter. Criteria: ACMG Guidelines, 2015. Collection method: clinical testing. Allele origin: germline.
Comment: This variant inserts 1 nucleotide in exon 27 of the MYH7 gene, creating a frameshift and premature translation stop signal. This variant is expected to result in an absent or non-functional protein product. To our knowledge, this variant has not been reported in individuals affected with MYH7-related disorders in the literature. This variant has not been identified in the general population by the Genome Aggregation Database (gnomAD). The role of MYH7 truncation variants in autosomal dominant cardiomyopathy is not clearly understood. The available evidence is insufficient to determine the role of this variant in disease conclusively. Therefore, this variant is classified as a Variant of Uncertain Significance.

NM_000257.4(MYH7):c.3549_3550insT (p.Gln1184fs)

Gene: MYH7 (myosin heavy chain 7; minus strand). Cytogenetic location: 14q11.2.
Variant type: Insertion.
Coding change: c.3549_3550insT on transcript NM_000257.4 (MANE Select); coding-DNA positions 3549 to 3550, T inserted.
Protein change: p.Gln1184fs; shifts the reading frame from glutamine 1184.
Molecular consequence: frameshift variant.
Genome position: GRCh38 VCF-style: chr14-23420021-G-GA. GRCh37 (hg19) VCF-style: chr14-23889230-G-GA.
Other names: c.3549_3550insT, p.Gln1184fs (NM_001407004.1); short protein forms Q1184fs.
Identifiers: ClinVar variation 2773918 (VCV002773918.2), dbSNP rs2502264454, ClinGen allele CA2697553866.
Genomic context (GRCh38, chr14:23,420,021, plus strand): 5'-CCAGCTCGGCCACGCTGTCGGCGTGCTTCTTGCGCAGGGCCGCGGCAGTGGCCTCGTGCT[G>GA]CAGCGTGGCCTCCTCCAGGTCCCGCCGCATCTTCTGGAACTCGGCCTCGCGCTTCTTGTT-3'